The following is an entry in ClinVar:

ClinVar aggregate classification (germline): Likely benign. Review status: criteria provided, multiple submitters, no conflicts (2 of 4 stars). 3 submissions from 3 submitters: Likely benign (3). Last evaluated 2026-01-31.

Conditions:
Hereditary cancer-predisposing syndrome. Also called: Hereditary neoplastic syndrome; Hereditary Cancer Syndrome; Neoplastic Syndromes, Hereditary; Tumor predisposition. Identifiers: Orphanet 140162, MedGen C0027672, MeSH D009386, MONDO:0015356.
Ataxia-telangiectasia syndrome (AT). Also called: Ataxia-telangiectasia, complementation group D; Cerebello-oculocutaneous telangiectasia; Immunodeficiency with ataxia telangiectasia; ATAXIA-TELANGIECTASIA, COMPLEMENTATION GROUP A; ATAXIA-TELANGIECTASIA, FRESNO VARIANT; LOUIS-BAR SYNDROME. Identifiers: Orphanet 100, MedGen C0004135, MONDO:0008840, OMIM 208900.

Submissions (3):

Labcorp Genetics (formerly Invitae), Labcorp
Classification: Likely benign for Ataxia-telangiectasia syndrome. Last evaluated: 2026-01-31. Review status: criteria provided, single submitter. Criteria: Invitae Variant Classification Sherloc (09022015). Collection method: clinical testing. Allele origin: germline.

Color Diagnostics, LLC DBA Color Health
Classification: Likely benign for Hereditary cancer-predisposing syndrome. Last evaluated: 2017-04-06. Review status: criteria provided, single submitter. Criteria: ACMG Guidelines, 2015. Collection method: clinical testing. Allele origin: germline.

GeneDx
Classification: Likely benign. Last evaluated: 2016-01-26. Review status: criteria provided, single submitter. Criteria: GeneDx Variant Classification (06012015). Collection method: clinical testing. Allele origin: germline. Affected: yes.
Comment: This variant is considered likely benign or benign based on one or more of the following criteria: it is a conservative change, it occurs at a poorly conserved position in the protein, it is predicted to be benign by multiple in silico algorithms, and/or has population frequency not consistent with disease.

NM_000051.4(ATM):c.1802+16del

Gene: ATM (ATM serine/threonine kinase; plus strand). Cytogenetic location: 11q22.3.
Variant type: Deletion.
Coding change: c.1802+16del on transcript NM_000051.4 (MANE Select); 16 bases into the intron after coding-DNA position 1802, one base deleted (T; older notation c.1802+16delT).
Molecular consequence: intron variant.
Genome position (GRCh38, 1-based): chr11:108,252,047, T deleted; the last of 2 consecutive T bases (chr11:108,252,046-108,252,047); deleting either gives the same sequence. VCF-style (leftmost placement, unchanged base first): chr11-108252045-AT-A. GRCh37 (hg19) VCF-style: chr11-108122772-AT-A.
Other names: c.1802+15delT (NM_000051.3); c.1802+16delT (NM_000051.3); c.1802+16del (NM_001351834.2).
Identifiers: ClinVar variation 420419 (VCV000420419.11), dbSNP rs1064794466, ClinGen allele CA16619128.